The following is an entry in ClinVar:

ClinVar aggregate classification (germline): Uncertain significance. Review status: criteria provided, multiple submitters, no conflicts (2 of 4 stars). 2 submissions from 2 submitters: Uncertain significance (2). Last evaluated 2025-02-28.

Conditions:
Nephrotic syndrome, type 3 (NPHS3). Also called: NEPHROTIC SYNDROME, EARLY-ONSET, TYPE 3. Identifiers: Orphanet 656, MedGen C1853124, MONDO:0012546, OMIM 610725.

Allele frequency attached by ClinVar (database versions not stated): TOPMed 0.00001; gnomAD 0.00003 and 0.00004; 1000 Genomes Project 30x 0.00016; 1000 Genomes Project 0.00020.
gnomAD v4.1: 34 of 1,612,242 alleles (0.0021%); highest among the groups gnomAD compares: African/African-American, 0.019%; no homozygotes.

Submissions (2):

GeneDx
Classification: Uncertain significance. Last evaluated: 2025-02-28. Review status: criteria provided, single submitter. Criteria: GeneDx Variant Classification Process June 2021. Collection method: clinical testing. Allele origin: germline. Affected: yes.
Comment: In silico analysis supports that this missense variant has a deleterious effect on protein structure/function; Has not been previously published as pathogenic or benign to our knowledge

Illumina Laboratory Services, Illumina
Classification: Uncertain significance for Nephrotic syndrome, type 3. Last evaluated: 2018-01-13. Review status: criteria provided, single submitter. Criteria: ICSL Variant Classification Criteria 13 December 2019. Collection method: clinical testing. Allele origin: germline.

NM_016341.4(PLCE1):c.4412G>A (p.Arg1471His)

Gene: PLCE1 (phospholipase C epsilon 1; plus strand). Cytogenetic location: 10q23.33.
Variant type: single nucleotide variant.
Coding change: c.4412G>A on transcript NM_016341.4 (MANE Select); coding-DNA position 4412, G replaced by A.
Protein change: p.Arg1471His; replaces arginine 1471 with histidine.
Molecular consequence: missense variant.
Genome position (GRCh38, 1-based): chr10:94,270,508, G>A. VCF-style: chr10-94270508-G-A. GRCh37 (hg19) VCF-style: chr10-96030265-G-A.
Other names: c.3488G>A, p.Arg1163His (NM_001165979.2); c.4364G>A, p.Arg1455His (NM_001288989.2); short protein forms R1471H, R1163H, R1455H.
Identifiers: ClinVar variation 301721 (VCV000301721.6), dbSNP rs199793703, ClinGen allele CA5613137.
Genomic context (GRCh38, chr10:94,270,508, plus strand): 5'-GATATCTGGACTCTAATGAGCTGTTTTGGCTCTCATAGGAAGTGGTTGAAGCCATTGATC[G>A]CAGTGCCTTCATCAACTCTGACCTGCCAATCATCATATCGATTGAGAACCACTGTTCATT-3'
Protein context (NP_057425.3, residues 1461-1481): PFKEVVEAID[Arg1471His]SAFINSDLPI